The following is an entry in ClinVar:

ClinVar aggregate classification (germline): Likely benign. Review status: criteria provided, multiple submitters, no conflicts (2 of 4 stars). 2 submissions from 2 submitters: Likely benign (2). Last evaluated 2025-10-05.

Conditions:
Pheochromocytoma/paraganglioma syndrome 5. Also called: Paragangliomas 5; SDHA-Related Hereditary Paraganglioma-Pheochromocytoma Syndrome. Identifiers: Orphanet 29072, MedGen C3279992, MONDO:0013602, OMIM 614165.
Mitochondrial complex II deficiency, nuclear type 1. Also called: SUCCINATE CoQ REDUCTASE DEFICIENCY. Identifiers: Orphanet 3208, MedGen C5700310, MONDO:0100294, OMIM 252011.

Allele frequency attached by ClinVar (database versions not stated): ExAC 0.00001; gnomAD 0.00001; gnomAD exomes 0.00001; TOPMed 0.00002.
gnomAD v4.1: 17 of 1,597,550 alleles (0.0011%); highest among the groups gnomAD compares: Non-Finnish European, 0.0013%; no homozygotes.

Submissions (2):

Labcorp Genetics (formerly Invitae), Labcorp
Classification: Likely benign for Pheochromocytoma/paraganglioma syndrome 5; Mitochondrial complex II deficiency, nuclear type 1. Last evaluated: 2025-10-05. Review status: criteria provided, single submitter. Criteria: Invitae Variant Classification Sherloc (09022015). Collection method: clinical testing. Allele origin: germline.

Myriad Genetics, Inc.
Classification: Likely benign for Pheochromocytoma/paraganglioma syndrome 5. Last evaluated: 2025-03-11. Review status: criteria provided, single submitter. Criteria: Myriad Autosomal Dominant, Autosomal Recessive and X-Linked Classification Criteria (2023). Collection method: clinical testing. Allele origin: unknown.
Comment: This variant is considered likely benign. This variant is intronic and is not expected to impact mRNA splicing.

NM_004168.4(SDHA):c.1909-18C>T

Gene: SDHA (succinate dehydrogenase complex flavoprotein subunit A; plus strand). Cytogenetic location: 5p15.33.
Variant type: single nucleotide variant.
Coding change: c.1909-18C>T on transcript NM_004168.4 (MANE Select); 18 bases into the intron before coding-DNA position 1909, C replaced by T.
Molecular consequence: intron variant.
Genome position (GRCh38, 1-based): chr5:256,316, C>T. VCF-style: chr5-256316-C-T. GRCh37 (hg19) VCF-style: chr5-256431-C-T.
Other names: c.1666-18C>T (NM_001330758.2); c.1765-18C>T (NM_001294332.2).
Identifiers: ClinVar variation 1549692 (VCV001549692.9), dbSNP rs781153748, ClinGen allele CA3173455.
Genomic context (GRCh38, chr5:256,316, plus strand): 5'-AAATTTTTCAAAAGGAACACAAGAGATGGCTTTTTGTACATTTTTGTGCTTAACTTACCA[C>T]TGACTCTTCTTTTCAAGGTCACTCTGGAATATAGACCCGTGATCGACAAAACTTTGAACG-3'